The following is an entry in ClinVar:

NM_004938.4(DAPK1):c.3864C>T (p.His1288=)

Gene: DAPK1 (death associated protein kinase 1; plus strand). Cytogenetic location: 9q21.33.
Variant type: single nucleotide variant.
Coding change: c.3864C>T on transcript NM_004938.4 (MANE Select); coding-DNA position 3864, C replaced by T.
Protein change: p.His1288=; no amino-acid change (histidine 1288 retained).
Molecular consequence: synonymous variant.
Genome position (GRCh38, 1-based): chr9:87,706,935, C>T. VCF-style: chr9-87706935-C-T. GRCh37 (hg19) VCF-style: chr9-90321850-C-T.
Other names: c.3864C>T, p.His1288= (NM_001288729.2, NM_001288730.2, NM_001288731.2).
Identifiers: ClinVar variation 740974 (VCV000740974.17), dbSNP rs201377316, ClinGen allele CA5110818.

ClinVar aggregate classification (germline): Likely benign. Review status: criteria provided, multiple submitters, no conflicts (2 of 4 stars). 3 submissions from 3 submitters: Likely benign (3). Last evaluated 2024-09-01.

Allele frequency attached by ClinVar (database versions not stated): gnomAD exomes 0.00003 and 0.00007; TOPMed 0.00003; gnomAD 0.00004 and 0.00005; ESP Exome Variant Server 0.00008; ExAC 0.00009; 1000 Genomes Project 0.00060; 1000 Genomes Project 30x 0.00078.
gnomAD v4.1: 50 of 1,613,474 alleles (0.0031%); highest among the groups gnomAD compares: African/African-American, 0.0093%; no homozygotes.

Submissions (3):

CeGaT Center for Human Genetics Tuebingen
Classification: Likely benign. Last evaluated: 2024-09-01. Review status: criteria provided, single submitter. Criteria: CeGaT Center For Human Genetics Tuebingen Variant Classification Criteria Version 2. Collection method: clinical testing. Allele origin: germline. Affected: yes. Observed: 1 variant allele.
Comment: DAPK1: BP4, BP7

Labcorp Genetics (formerly Invitae), Labcorp
Classification: Likely benign. Last evaluated: 2018-04-18. Review status: criteria provided, single submitter. Criteria: Invitae Variant Classification Sherloc (09022015). Collection method: clinical testing. Allele origin: germline.

Breakthrough Genomics
Classification: Likely benign. Review status: criteria provided, single submitter. Criteria: ACMG Guidelines, 2015. Collection method: not provided. Allele origin: germline. Inheritance: Unknown mechanism. Affected: yes.